The following is an entry in ClinVar:

ClinVar aggregate classification (germline): Uncertain significance (1 of 4 stars; one submission).

Conditions:
Hereditary cancer-predisposing syndrome. Also called: Neoplastic Syndromes, Hereditary; Tumor predisposition; Hereditary neoplastic syndrome; Hereditary Cancer Syndrome. Identifiers: Orphanet 140162, MedGen C0027672, MeSH D009386, MONDO:0015356.

Submission:

Ambry Genetics
Classification: Uncertain significance for Hereditary cancer-predisposing syndrome. Last evaluated: 2024-01-30. Review status: criteria provided, single submitter. Criteria: Ambry Variant Classification Scheme 2023. Collection method: clinical testing. Allele origin: germline.
Comment: The p.E1379V variant (also known as c.4136A>T), located in coding exon 15 of the APC gene, results from an A to T substitution at nucleotide position 4136. The glutamic acid at codon 1379 is replaced by valine, an amino acid with dissimilar properties. This amino acid position is conserved. In addition, in silico predictors for this gene do not accurately predict pathogenicity. Based on the available evidence, the clinical significance of this alteration remains unclear.

NM_000038.6(APC):c.4136A>T (p.Glu1379Val)

Gene: APC (APC regulator of Wnt signaling pathway; plus strand). Cytogenetic location: 5q22.2.
Variant type: single nucleotide variant.
Coding change: c.4136A>T on transcript NM_000038.6 (MANE Select); coding-DNA position 4136, A replaced by T.
Protein change: p.Glu1379Val; replaces glutamic acid 1379 with valine.
Molecular consequence: missense variant. On other transcripts: non-coding transcript variant (2).
Genome position (GRCh38, 1-based): chr5:112,839,730, A>T. VCF-style: chr5-112839730-A-T. GRCh37 (hg19) VCF-style: chr5-112175427-A-T.
Other names: c.4136A>T, p.Glu1379Val (NM_001127510.3, NM_001354895.2, NM_001407450.1); c.4082A>T, p.Glu1361Val (NM_001127511.3); c.4190A>T, p.Glu1397Val (NM_001354896.2, NM_001407447.1, NM_001407448.1 and 1 more transcripts); c.4166A>T, p.Glu1389Val (NM_001354897.2); c.4061A>T, p.Glu1354Val (NM_001354898.2); c.4052A>T, p.Glu1351Val (NM_001354899.2); c.4013A>T, p.Glu1338Val (NM_001354900.2); c.3959A>T, p.Glu1320Val (NM_001354901.2, NM_001407453.1); and 11 more; short protein forms E1096V, E1219V, E1250V, E1253V, E1278V, E1288V, E1296V, E1320V.
Identifiers: ClinVar variation 3230426 (VCV003230426.1), dbSNP rs1561590131, ClinGen allele CA16030393.